The following is an entry in ClinVar:

NM_001148.6(ANK2):c.1498C>T (p.Pro500Ser)

Gene: ANK2 (ankyrin 2; plus strand). Cytogenetic location: 4q26.
Variant type: single nucleotide variant.
Coding change: c.1498C>T on transcript NM_001148.6 (MANE Select); coding-DNA position 1498, C replaced by T.
Protein change: p.Pro500Ser; replaces proline 500 with serine.
Molecular consequence: missense variant.
Genome position (GRCh38, 1-based): chr4:113,274,464, C>T. VCF-style: chr4-113274464-C-T. GRCh37 (hg19) VCF-style: chr4-114195620-C-T.
Other names: c.1543C>T, p.Pro515Ser (NM_001354230.2, NM_001354231.2, NM_001354237.2 and 5 more transcripts); c.1498C>T, p.Pro500Ser (NM_001354232.2, NM_001354235.2, NM_001354236.2 and 8 more transcripts); c.1435C>T, p.Pro479Ser (NM_001354239.2, NM_001354256.2, NM_001354257.2 and 14 more transcripts); c.1411C>T, p.Pro471Ser (NM_001354260.2, NM_001354264.2, NM_001354266.2 and 13 more transcripts); c.1456C>T, p.Pro486Ser (NM_001354261.2, NM_001386147.1, NM_001386160.1); c.1213C>T, p.Pro405Ser (NM_001354277.2, NM_001386157.1, NM_001386158.1); c.1486C>T, p.Pro496Ser (NM_001386148.2, NM_001386186.2); c.1549C>T, p.Pro517Ser (NM_001386174.1); and 4 more; short protein forms P405S, P471S, P486S, P488S, P509S, P430S, P515S, P434S.
Identifiers: ClinVar variation 4764518 (VCV004764518.1).

ClinVar aggregate classification (germline): Uncertain significance (1 of 4 stars; one submission).

Conditions:
Long QT syndrome (LQTS). Identifiers: MedGen C0023976, MeSH D008133, MONDO:0002442. Disease mechanism: loss of function. Inheritance: Various modes of inheritance.

Submission:

Labcorp Genetics (formerly Invitae), Labcorp
Classification: Uncertain significance for Long QT syndrome. Last evaluated: 2025-04-24. Review status: criteria provided, single submitter. Criteria: Invitae Variant Classification Sherloc (09022015). Collection method: clinical testing. Allele origin: germline.
Comment: This sequence change replaces proline, which is neutral and non-polar, with serine, which is neutral and polar, at codon 500 of the ANK2 protein (p.Pro500Ser). This variant is not present in population databases (gnomAD no frequency). This variant has not been reported in the literature in individuals affected with ANK2-related conditions. Invitae Evidence Modeling of protein sequence and biophysical properties (such as structural, functional, and spatial information, amino acid conservation, physicochemical variation, residue mobility, and thermodynamic stability) indicates that this missense variant is not expected to disrupt ANK2 protein function with a negative predictive value of 80%. In summary, the available evidence is currently insufficient to determine the role of this variant in disease. Therefore, it has been classified as a Variant of Uncertain Significance.